The following is an entry in ClinVar:

ClinVar aggregate classification (germline): Conflicting classifications of pathogenicity. Review status: criteria provided, conflicting classifications (1 of 4 stars). 2 submissions from 2 submitters: Uncertain significance (1); Likely benign (1). Last evaluated 2025-12-06.

Conditions:
Inborn genetic diseases. Identifiers: MedGen C0950123, MeSH D030342.

Allele frequency attached by ClinVar (database versions not stated): gnomAD 0.00001; gnomAD exomes 0.00002; ExAC 0.00006.
gnomAD v4.1: 30 of 1,613,236 alleles (0.0019%); highest among the groups gnomAD compares: Admixed American, 0.0083%; 1 homozygote.

Submissions (2):

Labcorp Genetics (formerly Invitae), Labcorp
Classification: Uncertain significance. Last evaluated: 2025-12-06. Review status: criteria provided, single submitter. Criteria: Invitae Variant Classification Sherloc (09022015). Collection method: clinical testing. Allele origin: germline.
Comment: This sequence change replaces isoleucine, which is neutral and non-polar, with threonine, which is neutral and polar, at codon 490 of the DNA2 protein (p.Ile490Thr). This variant is present in population databases (rs200584135, gnomAD 0.009%). This variant has not been reported in the literature in individuals affected with DNA2-related conditions. ClinVar contains an entry for this variant (Variation ID: 2419949). Invitae Evidence Modeling of protein sequence and biophysical properties (such as structural, functional, and spatial information, amino acid conservation, physicochemical variation, residue mobility, and thermodynamic stability) indicates that this missense variant is not expected to disrupt DNA2 protein function with a negative predictive value of 80%. In summary, the available evidence is currently insufficient to determine the role of this variant in disease. Therefore, it has been classified as a Variant of Uncertain Significance.

Ambry Genetics
Classification: Likely benign for Inborn genetic diseases. Last evaluated: 2025-01-29. Review status: criteria provided, single submitter. Criteria: Ambry Variant Classification Scheme 2023. Collection method: clinical testing. Allele origin: germline.

NM_001080449.3(DNA2):c.1469T>C (p.Ile490Thr)

Gene: DNA2 (DNA replication helicase/nuclease 2; minus strand). Cytogenetic location: 10q21.3.
Variant type: single nucleotide variant.
Coding change: c.1469T>C on transcript NM_001080449.3 (MANE Select); coding-DNA position 1469, T replaced by C.
Protein change: p.Ile490Thr; replaces isoleucine 490 with threonine.
Molecular consequence: missense variant. On other transcripts: non-coding transcript variant (1).
Genome position (GRCh38, 1-based): chr10:68,437,188, A>G on the plus strand (T>C on the coding strand, the complement: DNA2 is on the minus strand). VCF-style: chr10-68437188-A-G. GRCh37 (hg19) VCF-style: chr10-70196945-A-G.
Other names: c.1469T>C (NM_001080449.2); short protein forms I490T.
Identifiers: ClinVar variation 2419949 (VCV002419949.7), dbSNP rs200584135, ClinGen allele CA5525060.
Genomic context (GRCh38, chr10:68,437,188, plus strand): 5'-GTGACAGGTATGGCACCATGTTTACATTGGAAATTATGTAAATATTGCCCATCACAAACT[A>G]TCTTTACATGTTCCATTCTAATCAGGTTTCCAATGCAACTGCCACTCTTCTCCCTATGAA-3'
Protein context (NP_001073918.2, residues 480-500): GNLIRMEHVK[Ile490Thr]VCDGQYLHNF